The following is an entry in ClinVar:

ClinVar aggregate classification (germline): Uncertain significance. Review status: criteria provided, multiple submitters, no conflicts (2 of 4 stars). 4 submissions from 4 submitters: Uncertain significance (4). Last evaluated 2026-06-01.

Allele frequency attached by ClinVar (database versions not stated): gnomAD exomes below 0.00001 and 0.00001; ExAC 0.00001; gnomAD 0.00001; TOPMed 0.00001.
gnomAD v4.1: 20 of 1,613,846 alleles (0.0012%); highest among the groups gnomAD compares: Non-Finnish European, 0.0016%; no homozygotes.

Submissions (4):

CeGaT Center for Human Genetics Tuebingen
Classification: Uncertain significance. Last evaluated: 2026-06-01. Review status: criteria provided, single submitter. Criteria: CeGaT Center For Human Genetics Tuebingen Variant Classification Criteria Version 2. Collection method: clinical testing. Allele origin: germline. Affected: yes. Observed: 1 variant allele.

GeneDx
Classification: Uncertain significance. Last evaluated: 2025-08-28. Review status: criteria provided, single submitter. Criteria: GeneDx Variant Classification Process June 2021. Collection method: clinical testing. Allele origin: germline. Affected: yes.
Comment: In silico analysis supports that this missense variant has a deleterious effect on protein structure/function; Has not been previously published as pathogenic or benign to our knowledge; Not observed at significant frequency in large population cohorts (gnomAD)

Labcorp Genetics (formerly Invitae), Labcorp
Classification: Uncertain significance. Last evaluated: 2024-11-21. Review status: criteria provided, single submitter. Criteria: Invitae Variant Classification Sherloc (09022015). Collection method: clinical testing. Allele origin: germline.
Comment: This sequence change replaces glycine, which is neutral and non-polar, with alanine, which is neutral and non-polar, at codon 2090 of the MYO7A protein (p.Gly2090Ala). This variant is present in population databases (rs747550860, gnomAD 0.0009%). This variant has not been reported in the literature in individuals affected with MYO7A-related conditions. ClinVar contains an entry for this variant (Variation ID: 1304033). Invitae Evidence Modeling of protein sequence and biophysical properties (such as structural, functional, and spatial information, amino acid conservation, physicochemical variation, residue mobility, and thermodynamic stability) indicates that this missense variant is not expected to disrupt MYO7A protein function with a negative predictive value of 95%. In summary, the available evidence is currently insufficient to determine the role of this variant in disease. Therefore, it has been classified as a Variant of Uncertain Significance.

Blueprint Genetics
Classification: Uncertain significance. Last evaluated: 2024-06-17. Review status: criteria provided, single submitter. Criteria: ACMG Guidelines, 2015. Collection method: clinical testing. Allele origin: germline.

NM_000260.4(MYO7A):c.6269G>C (p.Gly2090Ala)

Gene: MYO7A (myosin VIIA; plus strand). Cytogenetic location: 11q13.5.
Variant type: single nucleotide variant.
Coding change: c.6269G>C on transcript NM_000260.4 (MANE Select); coding-DNA position 6269, G replaced by C.
Protein change: p.Gly2090Ala; replaces glycine 2090 with alanine.
Molecular consequence: missense variant.
Genome position (GRCh38, 1-based): chr11:77,211,852, G>C. VCF-style: chr11-77211852-G-C. GRCh37 (hg19) VCF-style: chr11-76922897-G-C.
Other names: c.6155G>C, p.Gly2052Ala (NM_001127180.2); c.6122G>C, p.Gly2041Ala (NM_001369365.1); short protein forms G2041A, G2052A, G2090A.
Identifiers: ClinVar variation 1304033 (VCV001304033.9), dbSNP rs747550860, ClinGen allele CA6198986.